The following is an entry in ClinVar:

ClinVar aggregate classification (germline): Uncertain significance (1 of 4 stars; one submission).

Submission:

Labcorp Genetics (formerly Invitae), Labcorp
Classification: Uncertain significance. Last evaluated: 2025-06-15. Review status: criteria provided, single submitter. Criteria: Invitae Variant Classification Sherloc (09022015). Collection method: clinical testing. Allele origin: germline.
Comment: This sequence change replaces serine, which is neutral and polar, with cysteine, which is neutral and slightly polar, at codon 57 of the TGDS protein (p.Ser57Cys). This variant is not present in population databases (gnomAD no frequency). This variant has not been reported in the literature in individuals affected with TGDS-related conditions. ClinVar contains an entry for this variant (Variation ID: 1475013). Invitae Evidence Modeling of protein sequence and biophysical properties (such as structural, functional, and spatial information, amino acid conservation, physicochemical variation, residue mobility, and thermodynamic stability) indicates that this missense variant is not expected to disrupt TGDS protein function with a negative predictive value of 80%. In summary, the available evidence is currently insufficient to determine the role of this variant in disease. Therefore, it has been classified as a Variant of Uncertain Significance.

NM_014305.4(TGDS):c.169A>T (p.Ser57Cys)

Gene: TGDS (TDP-glucose 4,6-dehydratase; minus strand). Cytogenetic location: 13q32.1.
Variant type: single nucleotide variant.
Coding change: c.169A>T on transcript NM_014305.4 (MANE Select); coding-DNA position 169, A replaced by T.
Protein change: p.Ser57Cys; replaces serine 57 with cysteine.
Molecular consequence: missense variant. On other transcripts: non-coding transcript variant (2).
Genome position (GRCh38, 1-based): chr13:94,592,294, T>A on the plus strand (A>T on the coding strand, the complement: TGDS is on the minus strand). VCF-style: chr13-94592294-T-A. GRCh37 (hg19) VCF-style: chr13-95244548-T-A.
Other names: c.73A>T, p.Ser25Cys (NM_001304430.2); short protein forms S25C, S57C.
Identifiers: ClinVar variation 1475013 (VCV001475013.8), dbSNP rs2139544517, ClinGen allele CA388397393.
Genomic context (GRCh38, chr13:94,592,294, plus strand): 5'-TTCATACCTGTATAAATTTGTAGTTCTGTTTGTTAGAAATGGTTTCAAGATTCTTCAAGC[T>A]TGCACAGTAATCCAGCTTGAAAGAAGAGAGCACAGAAGGGGCAACACAAAAAGTGACATT-3'
Protein context (NP_055120.1, residues 47-67): INLDKLDYCA[Ser57Cys]LKNLETISNK